The following is an entry in ClinVar:

NM_000143.4(FH):c.1037G>A (p.Gly346Asp)

Gene: FH (fumarate hydratase; minus strand). Cytogenetic location: 1q43.
Variant type: single nucleotide variant.
Coding change: c.1037G>A on transcript NM_000143.4 (MANE Select); coding-DNA position 1037, G replaced by A.
Protein change: p.Gly346Asp; replaces glycine 346 with aspartic acid.
Molecular consequence: missense variant.
Genome position (GRCh38, 1-based): chr1:241,504,113, C>T on the plus strand (G>A on the coding strand, the complement: FH is on the minus strand). VCF-style: chr1-241504113-C-T. GRCh37 (hg19) VCF-style: chr1-241667413-C-T.
Other names: short protein forms G346D.
Identifiers: ClinVar variation 1067932 (VCV001067932.13), dbSNP rs2147916135, ClinGen allele CA345438173.

ClinVar aggregate classification (germline): Pathogenic/Likely pathogenic. Review status: criteria provided, multiple submitters, no conflicts (2 of 4 stars). 3 submissions from 3 submitters: Pathogenic (1); Likely pathogenic (2). Last evaluated 2026-01-07.

Conditions:
Fumarase deficiency (FMRD). Also called: Fumarate Hydratase Deficiency; Fumaric aciduria. Identifiers: Orphanet 24, MedGen C0342770, MONDO:0011730, OMIM 606812.
Hereditary cancer-predisposing syndrome. Also called: Hereditary Cancer Syndrome; Neoplastic Syndromes, Hereditary; Tumor predisposition; Hereditary neoplastic syndrome. Identifiers: Orphanet 140162, MedGen C0027672, MeSH D009386, MONDO:0015356.

Submissions (3):

Ambry Genetics
Classification: Likely pathogenic for Hereditary cancer-predisposing syndrome. Last evaluated: 2026-01-07. Review status: criteria provided, single submitter. Criteria: Ambry Variant Classification Scheme 2023. Collection method: clinical testing. Allele origin: germline.
Comment: The p.G346D variant (also known as c.1037G>A), located in coding exon 7 of the FH gene, results from a G to A substitution at nucleotide position 1037. The glycine at codon 346 is replaced by aspartic acid, an amino acid with similar properties. This alteration was identified in a compound heterozygous state with FH c.1431_1433dupAAA in dichorionic diamniotic twins with fumarate hydratase (FH) deficiency (Tregoning S et al. Twin Res Hum Genet, 2013 Dec;16:1117-20). This variant is considered to be rare based on population cohorts in the Genome Aggregation Database (gnomAD). This amino acid position is highly conserved in available vertebrate species. In addition, this alteration is predicted to be deleterious by in silico analysis. Based on the majority of available evidence to date, this variant is likely to be pathogenic.

Natera, Inc.
Classification: Likely pathogenic for Fumarase Deficiency. Last evaluated: 2024-10-23. Review status: criteria provided, single submitter. Criteria: Natera Variant Classification Schema (03/2026). Collection method: clinical testing. Allele origin: germline.
Comment: The c.1037G>A variant in FH is a missense variant predicted to cause substitution of glycine to aspartic acid at amino acid 346. This variant is rare in the general population with a frequency below the threshold expected for the associated phenotype(s). This variant has been observed in one or more individuals affected with the associated recessive disease, as either homozygous or compound heterozygous with a second variant (PMID: 24182348). Additionally, this variant has been observed to segregate in affected family members (PMID: 24182348). This variant has been identified in one or more affected individual with a phenotype highly consistent with the associated gene (PMID: 24182348). Computational prediction algorithms indicate this variant is likely to affect gene or protein function. Given the available evidence, this variant is classified as Likely Pathogenic.

Labcorp Genetics (formerly Invitae), Labcorp
Classification: Pathogenic. Last evaluated: 2023-12-18. Review status: criteria provided, single submitter. Criteria: Invitae Variant Classification Sherloc (09022015). Collection method: clinical testing. Allele origin: germline.
Comment: This sequence change replaces glycine, which is neutral and non-polar, with aspartic acid, which is acidic and polar, at codon 346 of the FH protein (p.Gly346Asp). This variant is not present in population databases (gnomAD no frequency). This missense change has been observed in individual(s) with fumarate hydratase deficiency (PMID: 24182348). In at least one individual the data is consistent with being in trans (on the opposite chromosome) from a pathogenic variant. ClinVar contains an entry for this variant (Variation ID: 1067932). Advanced modeling of protein sequence and biophysical properties (such as structural, functional, and spatial information, amino acid conservation, physicochemical variation, residue mobility, and thermodynamic stability) performed at Invitae indicates that this missense variant is expected to disrupt FH protein function with a positive predictive value of 95%. For these reasons, this variant has been classified as Pathogenic.

Literature cited by the submitters: PubMed 24182348 (cited by 3 submitters).